The following is an entry in ClinVar:

NM_001035.3(RYR2):c.8715-15T>G

Gene: RYR2 (ryanodine receptor 2; plus strand). Cytogenetic location: 1q43.
Variant type: single nucleotide variant.
Coding change: c.8715-15T>G on transcript NM_001035.3 (MANE Select); 15 bases into the intron before coding-DNA position 8715, T replaced by G.
Molecular consequence: intron variant.
Genome position (GRCh38, 1-based): chr1:237,674,716, T>G. VCF-style: chr1-237674716-T-G. GRCh37 (hg19) VCF-style: chr1-237838016-T-G.
Identifiers: ClinVar variation 4757987 (VCV004757987.1).

ClinVar aggregate classification (germline): Uncertain significance (1 of 4 stars; one submission).

Conditions:
Cardiomyopathy (CMYO). Also called: Cardiomyopathies. Identifiers: Orphanet 167848, MedGen C0878544, MONDO:0004994, HP:0001638. Inheritance: Various modes of inheritance.

Submission:

Color Diagnostics, LLC DBA Color Health
Classification: Uncertain significance for Cardiomyopathy. Last evaluated: 2025-08-18. Review status: criteria provided, single submitter. Criteria: ACMG Guidelines, 2015. Collection method: clinical testing. Allele origin: germline.
Comment: This variant causes a T to G nucleotide substitution at the -15 position of intron 59 of the RYR2 gene. To our knowledge, functional studies have not been reported for this variant. This variant has not been reported in individuals affected with RYR2-related disorders in the literature. This variant has not been identified in the general population by the Genome Aggregation Database (gnomAD). The available evidence is insufficient to determine the role of this variant in disease conclusively. Therefore, this variant is classified as a Variant of Uncertain Significance.